The following is an entry in ClinVar:

ClinVar aggregate classification (germline): Uncertain significance. Review status: criteria provided, multiple submitters, no conflicts (2 of 4 stars). 3 submissions from 3 submitters: Uncertain significance (3). Last evaluated 2026-05-13.

Conditions:
WNK1-related disorder. Also called: WNK1-related condition.
Neuropathy, hereditary sensory and autonomic, type 2A (HSAN2A). Also called: MORVAN DISEASE; NEUROPATHY, CONGENITAL SENSORY; NEUROPATHY, HEREDITARY SENSORY RADICULAR, AUTOSOMAL RECESSIVE; NEUROPATHY, HEREDITARY SENSORY, TYPE IIA; NEUROPATHY, PROGRESSIVE SENSORY, OF CHILDREN; WNK1-Related HSAN2 (HSAN2A). Identifiers: Orphanet 970, MedGen C2752089, MONDO:0024309, OMIM 201300.
Pseudohypoaldosteronism type 2C (PHA2C). Also called: Pseudohypoaldosteronism Type IIC. Identifiers: Orphanet 757, Orphanet 88940, MedGen C1840391, MONDO:0013778, OMIM 614492.

Allele frequency attached by ClinVar (database versions not stated): gnomAD exomes below 0.00001; ExAC 0.00001.
gnomAD v4.1: 2 of 1,614,158 alleles (0.00012%); highest among the groups gnomAD compares: Non-Finnish European, 0.00017%; no homozygotes.

Submissions (3):

PreventionGenetics, part of Exact Sciences
Classification: Uncertain significance for WNK1-related condition. Last evaluated: 2026-05-13. Review status: criteria provided, single submitter. Criteria: ACMG Guidelines, 2015. Collection method: clinical testing. Allele origin: germline.
Comment: The WNK1 c.4172G>A variant is predicted to result in the amino acid substitution p.Gly1391Asp. To our knowledge, this variant has not been reported in the literature. This variant is reported in 0.00088% of alleles in individuals of European (non-Finnish) descent in gnomAD. At this time, the clinical significance of this variant is uncertain due to the absence of conclusive functional and genetic evidence.

Mayo Clinic Laboratories, Mayo Clinic
Classification: Uncertain significance. Last evaluated: 2021-05-13. Review status: criteria provided, single submitter. Criteria: ACMG Guidelines, 2015. Collection method: clinical testing. Allele origin: germline.

Labcorp Genetics (formerly Invitae), Labcorp
Classification: Uncertain significance for Neuropathy, hereditary sensory and autonomic, type 2A; Pseudohypoaldosteronism type 2C. Last evaluated: 2021-03-07. Review status: criteria provided, single submitter. Criteria: Invitae Variant Classification Sherloc (09022015). Collection method: clinical testing. Allele origin: germline.
Comment: This sequence change replaces glycine with aspartic acid at codon 1643 of the WNK1 protein (p.Gly1643Asp). The glycine residue is moderately conserved and there is a moderate physicochemical difference between glycine and aspartic acid. This variant is present in population databases (rs769373261, ExAC 0.001%). This variant has not been reported in the literature in individuals with WNK1-related conditions. Advanced modeling of protein sequence and biophysical properties (such as structural, functional, and spatial information, amino acid conservation, physicochemical variation, residue mobility, and thermodynamic stability) performed at Invitae indicates that this missense variant is not expected to disrupt WNK1 protein function. In summary, the available evidence is currently insufficient to determine the role of this variant in disease. Therefore, it has been classified as a Variant of Uncertain Significance.

NM_018979.4(WNK1):c.4172G>A (p.Gly1391Asp)

Gene: WNK1 (WNK lysine deficient protein kinase 1; plus strand). Cytogenetic location: 12p13.33.
Variant type: single nucleotide variant.
Coding change: c.4172G>A on transcript NM_018979.4 (MANE Select); coding-DNA position 4172, G replaced by A.
Protein change: p.Gly1391Asp; replaces glycine 1391 with aspartic acid.
Molecular consequence: missense variant.
Genome position (GRCh38, 1-based): chr12:884,976, G>A. VCF-style: chr12-884976-G-A. GRCh37 (hg19) VCF-style: chr12-994142-G-A.
Other names: p.Gly1391Asp; c.4952G>A, p.Gly1651Asp (NM_001184985.2); c.3431G>A, p.Gly1144Asp (NM_014823.3); c.4928G>A, p.Gly1643Asp (NM_213655.5); short protein forms G1144D, G1643D, G1391D, G1651D.
Identifiers: ClinVar variation 1391304 (VCV001391304.12), dbSNP rs769373261, ClinGen allele CA6382930.